The following is an entry in ClinVar:

ClinVar aggregate classification (germline): Likely benign. Review status: criteria provided, multiple submitters, no conflicts (2 of 4 stars). 3 submissions from 3 submitters: Likely benign (3). Last evaluated 2025-08-04.

Conditions:
Immunodeficiency 104. Also called: Severe Combined Immune Deficiency, Autosomal Recessive, TCell -Negative, B Cell-Positive, NK Cell-Positive, IL7R-Related; Severe combined immunodeficiency, autosomal recessive, T cell-negative, B cell-positive, NK cell-positive; SCID, AUTOSOMAL RECESSIVE, T CELL-NEGATIVE, B CELL-POSITIVE, NK CELL-POSITIVE; IMMUNODEFICIENCY 104, SEVERE COMBINED. Identifiers: MedGen C5676890, MONDO:0012163, OMIM 608971.

Allele frequency attached by ClinVar (database versions not stated): ExAC 0.00003; TOPMed 0.00003; ESP Exome Variant Server 0.00008.
gnomAD v4.1: 30 of 1,609,750 alleles (0.0019%); highest among the groups gnomAD compares: Non-Finnish European, 0.0025%; no homozygotes.

Submissions (3):

Labcorp Genetics (formerly Invitae), Labcorp
Classification: Likely benign for Immunodeficiency 104. Last evaluated: 2025-08-04. Review status: criteria provided, single submitter. Criteria: Invitae Variant Classification Sherloc (09022015). Collection method: clinical testing. Allele origin: germline.

Blueprint Genetics
Classification: Likely benign. Last evaluated: 2024-11-20. Review status: criteria provided, single submitter. Criteria: ACMG Guidelines, 2015. Collection method: clinical testing. Allele origin: germline.

GeneDx
Classification: Likely benign. Last evaluated: 2015-10-06. Review status: criteria provided, single submitter. Criteria: GeneDx Variant Classification (06012015). Collection method: clinical testing. Allele origin: germline. Affected: yes.
Comment: This variant is considered likely benign or benign based on one or more of the following criteria: it is a conservative change, it occurs at a poorly conserved position in the protein, it is predicted to be benign by multiple in silico algorithms, and/or has population frequency not consistent with disease.

NM_002838.5(PTPRC):c.2526C>T (p.Ser842=)

Gene: PTPRC (protein tyrosine phosphatase receptor type C; plus strand). Cytogenetic location: 1q32.1.
Variant type: single nucleotide variant.
Coding change: c.2526C>T on transcript NM_002838.5 (MANE Select); coding-DNA position 2526, C replaced by T.
Protein change: p.Ser842=; no amino-acid change (serine 842 retained).
Molecular consequence: synonymous variant.
Genome position (GRCh38, 1-based): chr1:198,741,991, C>T. VCF-style: chr1-198741991-C-T. GRCh37 (hg19) VCF-style: chr1-198711120-C-T.
Other names: c.2043C>T, p.Ser681= (NM_080921.4).
Identifiers: ClinVar variation 380963 (VCV000380963.10), dbSNP rs373509702, ClinGen allele CA1315136.